The following is an entry in ClinVar:

ClinVar aggregate classification (germline): Uncertain significance (1 of 4 stars; one submission).

Submission:

Labcorp Genetics (formerly Invitae), Labcorp
Classification: Uncertain significance. Last evaluated: 2024-03-11. Review status: criteria provided, single submitter. Criteria: Invitae Variant Classification Sherloc (09022015). Collection method: clinical testing. Allele origin: germline.
Comment: This sequence change replaces lysine, which is basic and polar, with asparagine, which is neutral and polar, at codon 402 of the MKL1 protein (p.Lys402Asn). This variant is not present in population databases (gnomAD no frequency). This variant has not been reported in the literature in individuals affected with MKL1-related conditions. ClinVar contains an entry for this variant (Variation ID: 2006805). An algorithm developed to predict the effect of missense changes on protein structure and function (PolyPhen-2) suggests that this variant is likely to be tolerated. In summary, the available evidence is currently insufficient to determine the role of this variant in disease. Therefore, it has been classified as a Variant of Uncertain Significance.

NM_020831.6(MRTFA):c.1506G>C (p.Lys502Asn)

Gene: MRTFA (myocardin related transcription factor A; minus strand). Cytogenetic location: 22q13.1.
Variant type: single nucleotide variant.
Coding change: c.1506G>C on transcript NM_020831.6 (MANE Select); coding-DNA position 1506, G replaced by C.
Protein change: p.Lys502Asn; replaces lysine 502 with asparagine.
Molecular consequence: missense variant.
Genome position (GRCh38, 1-based): chr22:40,419,232, C>G on the plus strand (G>C on the coding strand, the complement: MRTFA is on the minus strand). VCF-style: chr22-40419232-C-G. GRCh37 (hg19) VCF-style: chr22-40815236-C-G.
Other names: c.1206G>C, p.Lys402Asn (NM_001282660.2); c.1356G>C, p.Lys452Asn (NM_001282661.3); c.1506G>C, p.Lys502Asn (NM_001282662.3); c.1311G>C, p.Lys437Asn (NM_001318139.2); short protein forms K437N, K502N, K452N, K402N.
Identifiers: ClinVar variation 2006805 (VCV002006805.4), dbSNP rs755427068, ClinGen allele CA411662203.